The following is an entry in ClinVar:

NM_177924.5(ASAH1):c.283C>T (p.Gln95Ter)

Gene: ASAH1 (N-acylsphingosine amidohydrolase 1; minus strand). Cytogenetic location: 8p22.
Variant type: single nucleotide variant.
Coding change: c.283C>T on transcript NM_177924.5 (MANE Select); coding-DNA position 283, C replaced by T.
Protein change: p.Gln95Ter; replaces glutamine 95 with a stop codon.
Molecular consequence: nonsense. On other transcripts: intron variant (1).
Genome position (GRCh38, 1-based): chr8:18,069,812, G>A on the plus strand (C>T on the coding strand, the complement: ASAH1 is on the minus strand). VCF-style: chr8-18069812-G-A. GRCh37 (hg19) VCF-style: chr8-17927321-G-A.
Other names: c.88C>T, p.Gln30Ter (NM_001363743.2); c.331C>T, p.Gln111Ter (NM_004315.6); c.285+1488C>T (NM_001127505.3); short protein forms Q111*, Q95*, Q30*.
Identifiers: ClinVar variation 1454635 (VCV001454635.6), dbSNP rs759037498, ClinGen allele CA4650941.

ClinVar aggregate classification (germline): Pathogenic (1 of 4 stars; one submission).

Allele frequency attached by ClinVar (database versions not stated): gnomAD exomes below 0.00001; ExAC 0.00001; gnomAD 0.00001.
gnomAD v4.1: 3 of 1,584,214 alleles (0.00019%); highest among the groups gnomAD compares: African/African-American, 0.0013%; no homozygotes.

Submission:

Labcorp Genetics (formerly Invitae), Labcorp
Classification: Pathogenic. Last evaluated: 2021-10-28. Review status: criteria provided, single submitter. Criteria: Invitae Variant Classification Sherloc (09022015). Collection method: clinical testing. Allele origin: germline.
Comment: Algorithms developed to predict the effect of sequence changes on RNA splicing suggest that this variant may create or strengthen a splice site. For these reasons, this variant has been classified as Pathogenic. This variant has not been reported in the literature in individuals affected with ASAH1-related conditions. This sequence change creates a premature translational stop signal (p.Gln95*) in the ASAH1 gene. It is expected to result in an absent or disrupted protein product. Loss-of-function variants in ASAH1 are known to be pathogenic (PMID: 24164096, 24355074). The frequency data for this variant in the population databases is considered unreliable, as metrics indicate poor data quality at this position in the gnomAD database.

Literature cited by the submitters: PubMed 24164096; PubMed 24355074.